The following is an entry in ClinVar:

ClinVar aggregate classification (germline): Likely benign. Review status: criteria provided, multiple submitters, no conflicts (2 of 4 stars). 2 submissions from 2 submitters: Likely benign (2). Last evaluated 2025-09-24.

Conditions:
DNAH9-related disorder. Also called: DNAH9-related condition.

Allele frequency attached by ClinVar (database versions not stated): gnomAD 0.00001; TOPMed 0.00001; gnomAD exomes 0.00004; ExAC 0.00005; 1000 Genomes Project 30x 0.00016; 1000 Genomes Project 0.00020.
gnomAD v4.1: 16 of 1,614,136 alleles (0.00099%); highest among the groups gnomAD compares: East Asian, 0.018%; no homozygotes.

Submissions (2):

PreventionGenetics, part of Exact Sciences
Classification: Likely benign for DNAH9-related condition. Last evaluated: 2025-09-24. Review status: criteria provided, single submitter. Criteria: ACMG Guidelines, 2015. Collection method: clinical testing. Allele origin: germline.
Comment: This variant is classified as likely benign based on ACMG/AMP sequence variant interpretation guidelines (Richards et al. 2015 PMID: 25741868, with internal and published modifications).

Labcorp Genetics (formerly Invitae), Labcorp
Classification: Likely benign. Last evaluated: 2021-06-24. Review status: criteria provided, single submitter. Criteria: Invitae Variant Classification Sherloc (09022015). Collection method: clinical testing. Allele origin: germline.

NM_001372.4(DNAH9):c.7266C>T (p.Ile2422=)

Gene: DNAH9 (dynein axonemal heavy chain 9; plus strand). Cytogenetic location: 17p12.
Variant type: single nucleotide variant.
Coding change: c.7266C>T on transcript NM_001372.4 (MANE Select); coding-DNA position 7266, C replaced by T.
Protein change: p.Ile2422=; no amino-acid change (isoleucine 2422 retained).
Molecular consequence: synonymous variant.
Genome position (GRCh38, 1-based): chr17:11,768,548, C>T. VCF-style: chr17-11768548-C-T. GRCh37 (hg19) VCF-style: chr17-11671865-C-T.
Other names: c.7266C>T (NM_001372.3).
Identifiers: ClinVar variation 1585877 (VCV001585877.9), dbSNP rs201337796, ClinGen allele CA8396562.
Genomic context (GRCh38, chr17:11,768,548, plus strand): 5'-GCTGACTGAGTTCAAAACAGTCAAGTTTCCTTCCCAAGGAACCATCTTTGACTATTACAT[C>T]GACCCAGAGACCAAGAAATTCGAGCCTTGGTCCAAGCTCGTCCCCCAGTTCGAATTTGAC-3'
Protein context (NP_001363.2, residues 2412-2432): PSQGTIFDYY[Ile2422=]DPETKKFEPW